The following is an entry in ClinVar:

NM_001393797.1(ABCC12):c.2107C>T (p.Arg703Ter)

Gene: ABCC12 (ATP binding cassette subfamily C member 12; minus strand). Cytogenetic location: 16q12.1.
Variant type: single nucleotide variant.
Coding change: c.2107C>T on transcript NM_001393797.1 (MANE Select); coding-DNA position 2107, C replaced by T.
Protein change: p.Arg703Ter; replaces arginine 703 with a stop codon.
Molecular consequence: nonsense. On other transcripts: non-coding transcript variant (6).
Genome position (GRCh38, 1-based): chr16:48,111,793, G>A on the plus strand (C>T on the coding strand, the complement: ABCC12 is on the minus strand). VCF-style: chr16-48111793-G-A. GRCh37 (hg19) VCF-style: chr16-48145704-G-A.
Other names: c.2107C>T, p.Arg703Ter (NM_033226.3); short protein forms R703*.
Identifiers: ClinVar variation 4980392 (VCV004980392.1).

ClinVar aggregate classification (germline): Uncertain significance (1 of 4 stars; one submission).

Conditions:
ABCC12-related condition.

gnomAD v4.1: 140 of 1,614,088 alleles (0.0087%); highest among the groups gnomAD compares: African/African-American, 0.15%; no homozygotes.

Submission:

PreventionGenetics, part of Exact Sciences
Classification: Uncertain significance for ABCC12-related condition. Last evaluated: 2026-03-26. Review status: criteria provided, single submitter. Criteria: ACMG Guidelines, 2015. Collection method: clinical testing. Allele origin: germline.
Comment: The ABCC12 c.2107C>T variant is predicted to result in premature protein termination (p.Arg703*). This variant has been reported in a study of individuals with cardiovascular disease traits (Table S1, Glicksberg et al. 2019. PubMed ID: 31345219). This variant is reported in 0.15% of alleles in individuals of African descent in gnomAD. At this time, the clinical significance of this variant is uncertain due to the absence of conclusive functional and genetic evidence.